The following is an entry in ClinVar:

ClinVar aggregate classification (germline): Likely benign (0 of 4 stars; one submission).

Conditions:
SETD1B-related disorder. Also called: SETD1B-related condition.

Allele frequency attached by ClinVar (database versions not stated): gnomAD exomes 0.00027; gnomAD 0.00028; TOPMed 0.00034; ESP Exome Variant Server 0.00041; ExAC 0.00076.

Submission:

PreventionGenetics, part of Exact Sciences
Classification: Likely benign for SETD1B-related condition. Last evaluated: 2022-11-08. Review status: no assertion criteria provided. Collection method: clinical testing. Allele origin: germline.
Comment: This variant is classified as likely benign based on ACMG/AMP sequence variant interpretation guidelines (Richards et al. 2015 PMID: 25741868, with internal and published modifications).

NM_001353345.2(SETD1B):c.3199_3201del (p.Lys1067del)

Gene: SETD1B (SET domain containing 1B, histone lysine methyltransferase; plus strand). Cytogenetic location: 12q24.31.
Variant type: Deletion.
Coding change: c.3199_3201del on transcript NM_001353345.2 (MANE Select); coding-DNA positions 3199 to 3201, 3 bases deleted (AAG; older notation c.3199_3201delAAG).
Protein change: p.Lys1067del; deletes lysine 1067.
Genome position (GRCh38, 1-based): chr12:121,817,591-121,817,593, AAG deleted. VCF-style (leftmost placement, unchanged base first): chr12-121817590-CAAG-C. GRCh37 (hg19) VCF-style: chr12-122255496-CAAG-C.
Other names: short protein forms K1067del.
Identifiers: ClinVar variation 3045743 (VCV003045743.2), dbSNP rs756840436, ClinGen allele CA6839024.